The following is an entry in ClinVar:

ClinVar aggregate classification (germline): Pathogenic. Review status: criteria provided, multiple submitters, no conflicts (2 of 4 stars). 17 submissions from 16 submitters: Pathogenic (16). 1 of the submissions does not count toward it. Last evaluated 2026-06-11.

Conditions:
GBA-related disorder. Also called: GBA-related disorders.
Gaucher disease type I (GD1). Also called: Type 1 Gaucher Disease; GD 1; GLUCOCEREBROSIDASE DEFICIENCY; ACID BETA-GLUCOSIDASE DEFICIENCY; GAUCHER DISEASE, NONCEREBRAL JUVENILE; GBA DEFICIENCY. Identifiers: Orphanet 355, Orphanet 77259, MedGen C1961835, MONDO:0009265, OMIM 230800.
Gaucher disease type II (GD2). Also called: Type 2 Gaucher disease (Acute; Infantile); GAUCHER DISEASE, ACUTE NEURONOPATHIC TYPE; GD II; Acute neuronopathic Gaucher's disease. Identifiers: Orphanet 77260, MedGen C0268250, MONDO:0009266, OMIM 230900.
Gaucher disease type III. Also called: Type 3 Gaucher disease (Subacute; Juvenile); Gaucher Disease, Type 3; GAUCHER DISEASE, CHRONIC NEURONOPATHIC TYPE; GAUCHER DISEASE, JUVENILE AND ADULT, CEREBRAL; GAUCHER DISEASE, SUBACUTE NEURONOPATHIC TYPE; GD III. Identifiers: Orphanet 355, Orphanet 77261, MedGen C0268251, MONDO:0009267, OMIM 231000.
Gaucher disease-ophthalmoplegia-cardiovascular calcification syndrome. Also called: GAUCHER DISEASE, TYPE IIIC. Identifiers: Orphanet 2072, MedGen C1856476, MONDO:0009268, OMIM 231005.
Gaucher disease. Also called: Acute cerebral Gaucher disease; Cerebroside lipidosis syndrome; Gaucher splenomegaly; Sphingolipidosis 1; Glucocerebrosidosis; Glucosylceramidase deficiency. Identifiers: Orphanet 355, MedGen C0017205, MONDO:0018150.
Parkinson disease, late-onset (PD). Also called: Susceptibility to Parkinson's Disease; PARKINSON DISEASE, LATE-ONSET, SUSCEPTIBILITY TO; Hereditary late onset Parkinson disease. Identifiers: Orphanet 411602, MedGen C3160718, MONDO:0008199, OMIM 168600.

Allele frequency attached by ClinVar (database versions not stated): gnomAD 0.00002 and 0.00003; gnomAD exomes 0.00003; ExAC 0.00002; TOPMed 0.00003.
gnomAD v4.1: 50 of 1,614,020 alleles (0.0031%); highest among the groups gnomAD compares: East Asian, 0.0089%; no homozygotes.

Submissions 1 to 10 of 17:

Institute of Human Genetics, University of Leipzig Medical Center
Classification: Pathogenic for Parkinson disease, late-onset. Last evaluated: 2026-06-11. Review status: criteria provided, single submitter. Criteria: ACMG Guidelines, 2015. Collection method: clinical testing. Allele origin: unknown. Affected: yes.
Comment: Criteria applied: PM2_SUP,PM3_VSTR,PP3,PS3_MOD

CeGaT Center for Human Genetics Tuebingen
Classification: Pathogenic. Last evaluated: 2026-06-01. Review status: criteria provided, single submitter. Criteria: CeGaT Center For Human Genetics Tuebingen Variant Classification Criteria Version 2. Collection method: clinical testing. Allele origin: germline. Affected: yes. Observed: 5 variant alleles.
Comment: GBA1: PM3:Very Strong, PM2

Labcorp Genetics (formerly Invitae), Labcorp
Classification: Pathogenic. Last evaluated: 2025-12-15. Review status: criteria provided, single submitter. Criteria: Invitae Variant Classification Sherloc (09022015). Collection method: clinical testing. Allele origin: germline.
Comment: This sequence change replaces glycine, which is neutral and non-polar, with arginine, which is basic and polar, at codon 241 of the GBA protein (p.Gly241Arg). The frequency data for this variant in the population databases (gnomAD) is considered unreliable due to the presence of homologous sequence, such as pseudogenes or paralogs, in the genome. This missense change has been observed in individual(s) with Gaucher disease and/or Parkinson's disease (PMID: 12204005, 22173904, 22247978, 23430543, 26117366, 29091352). This variant is also known as p.Gly202Arg or G202R. ClinVar contains an entry for this variant (Variation ID: 93459). Invitae Evidence Modeling of protein sequence and biophysical properties (such as structural, functional, and spatial information, amino acid conservation, physicochemical variation, residue mobility, and thermodynamic stability) has been performed for this missense variant. However, the output from this modeling did not meet the statistical confidence thresholds required to predict the impact of this variant on GBA protein function. Experimental studies have shown that this missense change affects GBA function (PMID: 9153297). This variant disrupts the p.Gly241 amino acid residue in GBA. Other variant(s) that disrupt this residue have been observed in individuals with GBA-related conditions (PMID: 10744424), which suggests that this may be a clinically significant amino acid residue. For these reasons, this variant has been classified as Pathogenic.

Variantyx, Inc.
Classification: Pathogenic for Parkinson disease, late-onset. Last evaluated: 2025-11-20. Review status: criteria provided, single submitter. Criteria: Variantyx Assertion Criteria 2022. Collection method: clinical testing. Allele origin: germline. Inheritance: Autosomal dominant inheritance. Affected: yes.
Comment: This is a nonsynonymous variant in the GBA1 gene (OMIM: 606463). Pathogenic variants in this gene have been associated with autosomal dominant and autosomal recessive GBA1-related disorders. This variant has been reported in many unrelated affected individuals (PMID: 32613234, 34867278, 32618053, 37198191, 37750340, 32677286, 32658388) (PS4_Very_Strong). Functional studies have shown that this variant alters GBA1 protein function (PMID: 26792850) (PS3) and multiple computational algorithms predict a deleterious effect for this variant (REVEL score: 0.798) (PP3). This variant has a 0.0089% maximum allele frequency in non-founder control populations. Based on the current evidence, this variant is classified as pathogenic for autosomal dominant susceptibility to late-onset Parkinson disease.

Natera, Inc.
Classification: Pathogenic for Gaucher disease. Last evaluated: 2025-07-24. Review status: criteria provided, single submitter. Criteria: Natera Variant Classification Schema (03/2026). Collection method: clinical testing. Allele origin: germline.
Comment: The c.721G>A variant in GBA1 is a missense variant predicted to cause substitution of glycine to arginine at amino acid 241. This variant is rare in the general population with a frequency below the threshold expected for the associated phenotype(s). This variant has been observed in one or more individuals affected with the associated recessive disease, as either homozygous or compound heterozygous with a second variant (PMID: 10796875). Given the available evidence, this variant is classified as Pathogenic.

GeneDx
Classification: Pathogenic. Last evaluated: 2024-03-21. Review status: criteria provided, single submitter. Criteria: GeneDx Variant Classification Process June 2021. Collection method: clinical testing. Allele origin: germline. Affected: yes.
Comment: Published functional studies found this variant is associated with significantly reduced enzyme activity (PMID: 26792850); In silico analysis supports that this missense variant has a deleterious effect on protein structure/function; Also known as p.(G202R); This variant is associated with the following publications: (PMID: 28727984, 27789132, 11783951, 25188399, 27816428, 27836528, 24022302, 22173904, 18078074, 29091352, 34779914, 34820281, 33301762, 34867278, 19830760, 22247978, 26792850, 27872820, 12204005, 23430543, 9516376, 22623374, 22964618, 17427031, 11259172, 8790604, 30461613, 31996268, 34426522, 31589614, 32677286, 32618053, 32658388, 34308104, 22429443, 33176831, 29934114, 26117366, 37432431, 37198191, 35861376, 36097244)

Institute of Human Genetics, University of Leipzig Medical Center
Classification: Pathogenic for Gaucher disease type I. Last evaluated: 2023-11-20. Review status: criteria provided, single submitter. Criteria: ACMG Guidelines, 2015. Collection method: clinical testing. Allele origin: unknown. Inheritance: Autosomal recessive inheritance. Affected: yes.
Comment: Criteria applied: PM3_VSTR,PS3_MOD,PM2_SUP,PP3

Revvity Omics, Revvity
Classification: Pathogenic. Last evaluated: 2023-08-21. Review status: criteria provided, single submitter. Criteria: ACMG Guidelines, 2015. Collection method: clinical testing. Allele origin: germline.

Blueprint Genetics
Classification: Pathogenic for GBA-related disorders. Last evaluated: 2022-07-07. Review status: criteria provided, single submitter. Criteria: ACMG Guidelines, 2015. Collection method: clinical testing. Allele origin: germline. Affected: yes. Observed: 5 variant alleles.

Athena Diagnostics
Classification: Pathogenic. Last evaluated: 2021-05-14. Review status: criteria provided, single submitter. Criteria: Athena Diagnostics Criteria. Collection method: clinical testing. Allele origin: unknown.
Comment: In multiple individuals, this variant has been seen with a single recessive pathogenic variant in the same gene, suggesting this variant may also be pathogenic (PMID: 12204005, 22429443, 32822875, 32547927, 22964618, 29934114, 11259172, 24022302, 10744424, 29091352, 22247978, 23430543, 8790604). This variant segregates with disease in multiple families (PMID: 29091352, 29934114, 9153297). The frequency of this variant in the general population is consistent with pathogenicity. Assessment of experimental evidence is inconclusive and computational tools yielded discordant predictions regarding the effect of this variant on protein function (PMID: 11259172, 25084554).This observation is not an independent occurrence and has been identified in the same individual by RCIGM, the other laboratory participating in the GEMINI study.

NM_000157.4(GBA1):c.721G>A (p.Gly241Arg)

Genes: GBA1 (glucosylceramidase beta 1; minus strand), LOC106627981 (GBA recombination region; plus strand). Cytogenetic location: 1q22.
Variant type: single nucleotide variant.
Coding change: c.721G>A on transcript NM_000157.4 (MANE Select); coding-DNA position 721, G replaced by A.
Protein change: p.Gly241Arg; replaces glycine 241 with arginine.
Molecular consequence: missense variant.
Genome position (GRCh38, 1-based): chr1:155,238,174, C>T on the plus strand (G>A on the coding strand, the complement: GBA1 is on the minus strand). VCF-style: chr1-155238174-C-T. GRCh37 (hg19) VCF-style: chr1-155207965-C-T.
Other names: c.721G>A, p.Gly241Arg (NM_001005741.3, NM_001005742.3); c.460G>A, p.Gly154Arg (NM_001171811.2); c.574G>A, p.Gly192Arg (NM_001171812.2); c.721G>A (NM_001005742.2); short protein forms G241R, G154R, G192R.
Identifiers: ClinVar variation 93459 (VCV000093459.65), dbSNP rs409652, ClinGen allele CA221411.
Genomic context (GRCh38, chr1:155,238,174, plus strand): 5'-CATCCTTGCTGATCCCTTACTTCACAAAGTATCTGGCCCAGGTCTGGTGGTAGATGTCTC[C>T]GGGCTGTCCCTTGAGTGACCCCTTCCCATTCACCGCTCCATTGGTCTTGAGCCAAGTGGG-3'
Protein context (NP_000148.2, residues 231-251): NGKGSLKGQP[Gly241Arg]DIYHQTWARY